The following is an entry in ClinVar:

NM_000218.3(KCNQ1):c.1590G>A (p.Gln530=)

Gene: KCNQ1 (potassium voltage-gated channel subfamily Q member 1; plus strand). Cytogenetic location: 11p15.5.
Variant type: single nucleotide variant.
Coding change: c.1590G>A on transcript NM_000218.3 (MANE Select); coding-DNA position 1590, G replaced by A.
Protein change: p.Gln530=; no amino-acid change (glutamine 530 retained).
Molecular consequence: synonymous variant.
Genome position (GRCh38, 1-based): chr11:2,768,919, G>A. VCF-style: chr11-2768919-G-A. GRCh37 (hg19) VCF-style: chr11-2790149-G-A.
Other names: c.1494G>A, p.Gln498= (NM_001406836.1); c.1320G>A, p.Gln440= (NM_001406837.1); c.1050G>A, p.Gln350= (NM_001406838.1); c.1209G>A, p.Gln403= (NM_181798.2).
Identifiers: ClinVar variation 921243 (VCV000921243.9), dbSNP rs1846543956, ClinGen allele CA472459493.

ClinVar aggregate classification (germline): Uncertain significance. Review status: criteria provided, multiple submitters, no conflicts (2 of 4 stars). 2 submissions from 2 submitters: Uncertain significance (2). Last evaluated 2023-10-14.

Conditions:
Cardiac arrhythmia. Also called: Arrhythmia; Cardiac rhythm disease. Identifiers: MedGen C0003811, MONDO:0007263, HP:0011675.
Long QT syndrome (LQTS). Identifiers: MedGen C0023976, MeSH D008133, MONDO:0002442. Disease mechanism: loss of function. Inheritance: Various modes of inheritance.

gnomAD v4.1: 1 of 1,613,102 alleles (0.000062%); highest among the groups gnomAD compares: Non-Finnish European, 0.000085%; no homozygotes.

Submissions (2):

Labcorp Genetics (formerly Invitae), Labcorp
Classification: Uncertain significance for Long QT syndrome. Last evaluated: 2023-10-14. Review status: criteria provided, single submitter. Criteria: Invitae Variant Classification Sherloc (09022015). Collection method: clinical testing. Allele origin: germline.
Comment: This sequence change affects codon 530 of the KCNQ1 mRNA. It is a 'silent' change, meaning that it does not change the encoded amino acid sequence of the KCNQ1 protein. This variant also falls at the last nucleotide of exon 12, which is part of the consensus splice site for this exon. This variant is not present in population databases (gnomAD no frequency). This variant has not been reported in the literature in individuals affected with KCNQ1-related conditions. ClinVar contains an entry for this variant (Variation ID: 921243). Variants that disrupt the consensus splice site are a relatively common cause of aberrant splicing (PMID: 17576681, 9536098). Algorithms developed to predict the effect of sequence changes on RNA splicing suggest that this variant is not likely to affect RNA splicing. In summary, the available evidence is currently insufficient to determine the role of this variant in disease. Therefore, it has been classified as a Variant of Uncertain Significance.

Color Diagnostics, LLC DBA Color Health
Classification: Uncertain significance for Cardiac arrhythmia. Last evaluated: 2020-01-27. Review status: criteria provided, single submitter. Criteria: ACMG Guidelines, 2015. Collection method: clinical testing. Allele origin: germline.
Comment: This synonymous variant does not change the amino acid sequence of the KCNQ1 protein. However, splice site prediction tools are inconclusive regarding the impact of this variant on RNA splicing. To our knowledge, functional studies have not been performed for this variant. This variant has not been reported in individuals affected with cardiovascular disorders in the literature. This variant has not been identified in the general population by the Genome Aggregation Database (gnomAD). The available evidence is insufficient to determine the role of this variant in disease conclusively. Therefore, this variant is classified as a Variant of Uncertain Significance.

Literature cited by the submitters: PubMed 17576681 (cited by Labcorp Genetics (formerly Invitae), Labcorp); PubMed 9536098 (cited by Labcorp Genetics (formerly Invitae), Labcorp).